The following is an entry in ClinVar:

ClinVar aggregate classification (germline): Pathogenic (1 of 4 stars; one submission).

Conditions:
Hereditary breast ovarian cancer syndrome. Also called: Hereditary breast and ovarian cancer; BRCA1- and BRCA2-Associated Hereditary Breast and Ovarian Cancer; Hereditary breast and ovarian cancer syndrome; Breast and ovarian cancer; Hereditary breast and ovarian cancer syndrome (HBOC); Hereditary breast and/or ovarian cancer syndrome. Identifiers: Orphanet 145, MedGen C0677776, MeSH D061325, MONDO:0003582. Disease mechanism: loss of function.

Submission:

Labcorp Genetics (formerly Invitae), Labcorp
Classification: Pathogenic for Hereditary breast ovarian cancer syndrome. Last evaluated: 2023-09-20. Review status: criteria provided, single submitter. Criteria: Invitae Variant Classification Sherloc (09022015). Collection method: clinical testing. Allele origin: germline.
Comment: This sequence change creates a premature translational stop signal (p.Val3078Glnfs*8) in the BRCA2 gene. It is expected to result in an absent or disrupted protein product. Loss-of-function variants in BRCA2 are known to be pathogenic (PMID: 20104584). This variant is not present in population databases (gnomAD no frequency). This variant has not been reported in the literature in individuals affected with BRCA2-related conditions. For these reasons, this variant has been classified as Pathogenic.

Literature cited by the submitters: PubMed 20104584.

NM_000059.4(BRCA2):c.9231_9232insCAGGATTT (p.Val3078fs)

Gene: BRCA2 (BRCA2 DNA repair associated; plus strand). Cytogenetic location: 13q13.1.
Variant type: Insertion.
Coding change: c.9231_9232insCAGGATTT on transcript NM_000059.4 (MANE Select); coding-DNA positions 9231 to 9232, CAGGATTT inserted.
Protein change: p.Val3078fs; shifts the reading frame from valine 3078.
Molecular consequence: frameshift variant. On other transcripts: non-coding transcript variant (1).
Genome position: GRCh38 VCF-style: chr13-32380113-T-TAGGATTTC. GRCh37 (hg19) VCF-style: chr13-32954250-T-TAGGATTTC.
Other names: c.9135_9136insCAGGATTT, p.Val3046fs (NM_001406719.1); c.9180_9181insCAGGATTT, p.Val3061fs (NM_001406720.1); c.4299_4300insCAGGATTT, p.Val1434fs (NM_001406721.1); c.2814_2815insCAGGATTT, p.Val939fs (NM_001406722.1); short protein forms V3046fs, V939fs, V3061fs, V1434fs, V3078fs.
Identifiers: ClinVar variation 2816675 (VCV002816675.3), dbSNP rs2548556248, ClinGen allele CA2739277527.